The following is an entry in ClinVar:

ClinVar aggregate classification (germline): Pathogenic. Review status: criteria provided, multiple submitters, no conflicts (2 of 4 stars). 4 submissions from 4 submitters: Pathogenic (4). Last evaluated 2024-10-09.

Conditions:
Pheochromocytoma/paraganglioma syndrome 4. Also called: SDHB-Related Hereditary Paraganglioma-Pheochromocytoma Syndrome (Paragangliomas 4); SDHB-Related Hereditary Paraganglioma-Pheochromocytoma Syndrome; CAROTID BODY TUMORS AND MULTIPLE EXTRAADRENAL PHEOCHROMOCYTOMAS; PARAGANGLIOMA, FAMILIAL MALIGNANT; PARAGANGLIOMAS, HEREDITARY EXTRAADRENAL; PHEOCHROMOCYTOMA, FAMILIAL EXTRAADRENAL. Identifiers: Orphanet 29072, MedGen C1861848, MONDO:0007273, OMIM 115310.
Gastrointestinal stromal tumor. Also called: Gastrointestinal stromal tumor, somatic; Gastrointestinal stroma tumor. Identifiers: Orphanet 44890, MedGen C0238198, MeSH D046152, MONDO:0011719, OMIM 606764, HP:0100723.
Pheochromocytoma. Also called: MAX-Related Hereditary Paraganglioma-Pheochromocytoma Syndrome. Identifiers: Orphanet 29072, MedGen C0031511, MONDO:0008233, OMIM 171300, HP:0002666.
Hereditary cancer-predisposing syndrome. Also called: Tumor predisposition; Hereditary Cancer Syndrome; Hereditary neoplastic syndrome; Neoplastic Syndromes, Hereditary. Identifiers: Orphanet 140162, MedGen C0027672, MeSH D009386, MONDO:0015356.

Submissions (4):

Ambry Genetics
Classification: Pathogenic for Hereditary cancer-predisposing syndrome. Last evaluated: 2024-10-09. Review status: criteria provided, single submitter. Criteria: Ambry Variant Classification Scheme 2023. Collection method: clinical testing. Allele origin: germline.
Comment: The c.481delG pathogenic mutation, located in coding exon 5 of the SDHB gene, results from a deletion of one nucleotide at nucleotide position 481, causing a translational frameshift with a predicted alternate stop codon (p.D161Mfs*14). This mutation has been reported in a patient with PGL/PCC whose tumor demonstrated loss of SDHB staining by immunohistochemistry (Evenepoel L et al. Genet Med, 2015 Aug;17:610-20). This variant is considered to be rare based on population cohorts in the Genome Aggregation Database (gnomAD). In addition to the clinical data presented in the literature, this alteration is expected to result in loss of function by premature protein truncation or nonsense-mediated mRNA decay. As such, this alteration is interpreted as a disease-causing mutation.

Labcorp Genetics (formerly Invitae), Labcorp
Classification: Pathogenic for Gastrointestinal stromal tumor; Pheochromocytoma/paraganglioma syndrome 4; Pheochromocytoma. Last evaluated: 2022-12-22. Review status: criteria provided, single submitter. Criteria: Invitae Variant Classification Sherloc (09022015). Collection method: clinical testing. Allele origin: germline.
Comment: This variant is not present in population databases (gnomAD no frequency). For these reasons, this variant has been classified as Pathogenic. ClinVar contains an entry for this variant (Variation ID: 201606). This variant has not been reported in the literature in individuals affected with SDHB-related conditions. This sequence change creates a premature translational stop signal (p.Asp161Metfs*14) in the SDHB gene. It is expected to result in an absent or disrupted protein product. Loss-of-function variants in SDHB are known to be pathogenic (PMID: 19454582, 19802898).

GeneDx
Classification: Pathogenic. Last evaluated: 2018-07-10. Review status: criteria provided, single submitter. Criteria: GeneDx Variant Classification (06012015). Collection method: clinical testing. Allele origin: germline. Affected: yes.
Comment: The c.481delG variant causes a shift in the reading frame starting with codon Aspartic acid 161, changes this amino acid to a Methionine residue, and creating a premature Stop codon at position 14 of the new reading frame, denoted p.Asp161MetfsX14. This pathogenic variant is predicted to cause loss of normal protein function either through protein truncation or nonsense-mediated mRNA decay. Although this pathogenic variant has not been previously reported in a peer-reviewed journal to our knowledge, its presence is consistent with a diagnosis of Hereditary Paraganglioma-Pheochromocytoma Syndrome (PGL/PCC). The variant is found in the SDHB panel(s).

ARUP Laboratories, Molecular Genetics and Genomics, ARUP Laboratories
Classification: Pathogenic. Last evaluated: 2018-04-01. Review status: criteria provided, single submitter. Criteria: ARUP Molecular Germline Variant Investigation Process. Collection method: clinical testing. Allele origin: germline.
Comment: The SDHB c.481delG; p.Asp161fs variant (rs794728949) is reported in the literature in an individual with abdominal paraganglioma (van Nederveen 2009). This variant is also reported as pathogenic in ClinVar (Variation ID: 201606), and is absent from general population databases (1000 Genomes Project, Exome Variant Server, and Genome Aggregation Database). This variant causes a frameshift by deleting a single nucleotide, so it is predicted to result in a truncated protein or mRNA subject to nonsense-mediated decay. Based on available information, this variant is considered to be pathogenic. REFERENCES van Nederveen FH et al. An immunohistochemical procedure to detect patients with paraganglioma and phaeochromocytoma with germline SDHB, SDHC, or SDHD gene mutations: a retrospective and prospective analysis. Lancet Oncol. 2009 Aug;10(8):764-71.

Literature cited by the submitters: PubMed 25394176 (cited by Ambry Genetics); PubMed 31194233 (cited by Ambry Genetics); PubMed 19454582 (cited by Labcorp Genetics (formerly Invitae), Labcorp); PubMed 19802898 (cited by Labcorp Genetics (formerly Invitae), Labcorp).

NM_003000.3(SDHB):c.481del (p.Asp161fs)

Gene: SDHB (succinate dehydrogenase complex iron sulfur subunit B; minus strand). Cytogenetic location: 1p36.13.
Variant type: Deletion.
Coding change: c.481del on transcript NM_003000.3 (MANE Select); coding-DNA position 481, one base deleted (G; older notation c.481delG).
Protein change: p.Asp161fs; shifts the reading frame from aspartic acid 161.
Molecular consequence: frameshift variant.
Genome position (GRCh38, 1-based): chr1:17,027,808, C deleted on the plus strand (G on the coding strand, the reverse complement: SDHB is on the minus strand); the first of 2 consecutive C bases (chr1:17,027,808-17,027,809); deleting either gives the same sequence. VCF-style (leftmost placement, unchanged base first): chr1-17027807-TC-T. GRCh37 (hg19) VCF-style: chr1-17354302-TC-T.
Other names: c.481delG (NM_003000.2); short protein forms D161fs.
Identifiers: ClinVar variation 201606 (VCV000201606.16), dbSNP rs794728949, ClinGen allele CA015897.